The following is an entry in ClinVar:

NM_144736.5(NDUFAF7):c.968T>C (p.Leu323Ser)

Gene: NDUFAF7 (NADH:ubiquinone oxidoreductase complex assembly factor 7; plus strand). Cytogenetic location: 2p22.2.
Variant type: single nucleotide variant.
Coding change: c.968T>C on transcript NM_144736.5 (MANE Select); coding-DNA position 968, T replaced by C.
Protein change: p.Leu323Ser; replaces leucine 323 with serine.
Molecular consequence: missense variant. On other transcripts: non-coding transcript variant (10).
Genome position (GRCh38, 1-based): chr2:37,247,487, T>C. VCF-style: chr2-37247487-T-C. GRCh37 (hg19) VCF-style: chr2-37474630-T-C.
Other names: c.674T>C, p.Leu225Ser (NM_001083946.2); c.968T>C, p.Leu323Ser (NM_001350024.2); c.887T>C, p.Leu296Ser (NM_001350025.2); c.755T>C, p.Leu252Ser (NM_001350027.2); short protein forms L323S, L225S, L252S, L296S.
Identifiers: ClinVar variation 4696563 (VCV004696563.1).
Genomic context (GRCh38, chr2:37,247,487, plus strand): 5'-GGCAAAAATCTGATTTCTTTATGTTCAAGGGGTTTTGCGACCACAAGCTTCATGATGTCT[T>C]AATTGCCCCAGGAACAGCAGATCTAACAGCTGATGTGGACTTCAGTTATTTGCGAAGAAT-3'
Protein context (NP_653337.1, residues 313-333): GFCDHKLHDV[Leu323Ser]IAPGTADLTA

ClinVar aggregate classification (germline): Uncertain significance (1 of 4 stars; one submission).

gnomAD v4.1: 8 of 1,613,964 alleles (0.0005%); highest among the groups gnomAD compares: Non-Finnish European, 0.00068%; no homozygotes.

Submission:

Labcorp Genetics (formerly Invitae), Labcorp
Classification: Uncertain significance. Last evaluated: 2025-12-16. Review status: criteria provided, single submitter. Criteria: Invitae Variant Classification Sherloc (09022015). Collection method: clinical testing. Allele origin: germline.
Comment: This sequence change replaces leucine, which is neutral and non-polar, with serine, which is neutral and polar, at codon 225 of the NDUFAF7 protein (p.Leu225Ser). This variant is present in population databases (rs752791051, gnomAD 0.002%). This variant has not been reported in the literature in individuals affected with NDUFAF7-related conditions. An algorithm developed to predict the effect of missense changes on protein structure and function (PolyPhen-2) suggests that this variant is likely to be disruptive. In summary, the available evidence is currently insufficient to determine the role of this variant in disease. Therefore, it has been classified as a Variant of Uncertain Significance.